The following continues an entry in ClinVar:

NM_194318.4(B3GLCT):c.660+1G>A

Gene: B3GLCT. ClinVar aggregate classification (germline): Pathogenic. Pathogenic (26).

Submissions 14 to 38 of 38:

Women's Health and Genetics/Laboratory Corporation of America, LabCorp
Classification: Pathogenic for Peters plus syndrome. Last evaluated: 2022-04-18. Review status: criteria provided, single submitter. Criteria: LabCorp Variant Classification Summary - May 2015. Collection method: clinical testing. Allele origin: germline.
Comment: Variant summary: B3GALTL c.660+1G>A (aka c.1020+1G>A) is located in a canonical splice-site and is predicted to affect mRNA splicing resulting in a significantly altered protein due to either exon skipping, shortening, or inclusion of intronic material. Several computational tools predict a significant impact on normal splicing: four predict the variant abolishes a 5' splicing donor site. The variant allele was found at a frequency of 0.00076 in 281510 control chromosomes (gnomAD). The variant, c.660+1G>A, has been reported in the literature in numerous homozygous- and compound heterozygous individuals affected with Peters Plus Syndrome (see e.g. Lesnik_2006, Hess_2008, Wang_2020); the variant was described as a recurrent mutation in many different ethnicities, and was reported as the most frequent disease associated allele. These data indicate that the variant is very likely to be associated with disease. Publications also reported experimental evidence and confirmed that the variant results in the skipping of exon 8, in addition, fucosylation defects were also demonstrated in patients (Lesnik_2006, Hess_2008). Nine clinical diagnostic laboratories have submitted clinical-significance assessments for this variant to ClinVar after 2014, and all of them classified the variant as pathogenic. Based on the evidence outlined above, the variant was classified as pathogenic.

MGZ Medical Genetics Center
Classification: Pathogenic for Peters plus syndrome. Last evaluated: 2022-03-08. Review status: criteria provided, single submitter. Criteria: ACMG Guidelines, 2015. Collection method: clinical testing. Allele origin: germline. Affected: yes. Observed: 1 variant allele.
Comment: ACMG criteria applied: PVS1, PM3_STR, PM2_SUP, PP1

GeneDx
Classification: Pathogenic. Last evaluated: 2022-01-06. Review status: criteria provided, single submitter. Criteria: GeneDx Variant Classification Process June 2021. Collection method: clinical testing. Allele origin: germline. Affected: yes.
Comment: Canonical splice site variant in a gene for which loss-of-function is a known mechanism of disease; leads to skipping of exon 8, as confirmed by RT-PCR studies (Lesnik Oberstein et al., 2006); Also known as c.1020+1G>A using alternate nomenclature; This variant is associated with the following publications: (PMID: 26684045, 25525159, 19796186, 29096039, 18798333, 16909395, 23161355, 34426522, 31589614, 30577886, 31081795, 32224865, 31795264, 32204707, 33726816, 32732226)

Genetics and Molecular Pathology, SA Pathology
Classification: Pathogenic for Peters plus syndrome. Last evaluated: 2021-12-13. Review status: criteria provided, single submitter. Criteria: ACMG Guidelines, 2015. Collection method: clinical testing. Allele origin: germline. Inheritance: Autosomal recessive inheritance. Affected: yes.
Comment: The B3GLCT c.660+1G>A variant is classified as PATHOGENIC (PS4, PVS1) The B3GLCT c.660+1G>A variant is located in a splice donor region (PVS1). This recurrent variant has been identiified in both a homozygous and comound heterozygous state in multiple individuals with Peters-plus syndrome (PMID:16909395) (PS4). This variant is in dbSNP (rs80338851) and has been reported in population databases (gnomAD 122/152076 alleles, no homozygotes). This variant has been reported in ClinVar as pathogenic by other diagnostic laboratories (Variation ID:1264) and is damaging in HGMD for Peters-plus syndrome (CS064369).

Institute for Clinical Genetics, University Hospital TU Dresden, University Hospital TU Dresden
Classification: Pathogenic. Last evaluated: 2021-11-03. Review status: criteria provided, single submitter. Criteria: ACMG Guidelines, 2015. Collection method: clinical testing. Allele origin: germline.

UNC Molecular Genetics  Laboratory, University of North Carolina at Chapel Hill
Classification: Pathogenic for Peters plus syndrome. Last evaluated: 2021-09-28. Review status: criteria provided, single submitter. Criteria: ACMG Guidelines, 2015. Collection method: research. Allele origin: unknown. Observed: 1 variant allele. Study: CSER_NCGENES_2.
Comment: The B3GLCT c.660+1G>A variant is predicted to alter a canonical splice donor site and was previously reported as a pathogenic variant in multiple individuals with autosomal recessive Peters plus syndrome (PMIDs 16909395, 18798333, 31795264). B3GLCT c.660+1G>A was reported as the most common variant in individuals with Peters plus syndrome (PMID 20301637). Analysis of RNA from affected individuals suggested this variant resulted in exon 8 skipping and introduction of a frameshift and premature termination codon in exon 9 (PMID 16909395). This variant is also referred to as c.1020+1G>A in the literature and is observed in gnomAD v2.1.1 with a total allele frequency of 0.08% (214 alleles/281,510 alleles, 0 homozygotes).

Centre for Mendelian Genomics, University Medical Centre Ljubljana
Classification: Pathogenic for Peters plus syndrome. Last evaluated: 2018-10-12. Review status: criteria provided, single submitter. Criteria: ACMG Guidelines, 2015. Collection method: clinical testing. Allele origin: unknown. Affected: yes.
Comment: This variant was classified as: Pathogenic. The following ACMG criteria were applied in classifying this variant: PVS1,PS1,PM2,PP3.

Knight Diagnostic Laboratories, Oregon Health and Sciences University
Classification: Pathogenic for Peters-plus syndrome. Last evaluated: 2017-11-10. Review status: criteria provided, single submitter. Criteria: ACMG Guidelines, 2015. Collection method: clinical testing. Allele origin: germline. Observed: 1 variant allele.

Illumina Laboratory Services, Illumina
Classification: Pathogenic for Peters plus syndrome. Last evaluated: 2017-04-27. Review status: criteria provided, single submitter. Criteria: ICSL Variant Classification Criteria 09 May 2019. Collection method: clinical testing. Allele origin: germline.
Comment: The B3GALTL c.660+1G>A variant occurs in a canonical splice site (donor) and is therefore predicted to disrupt or distort the normal gene product. The c.660+1G>A variant is well described in the literature and is the most frequently identified variant in individuals with Peters plus syndrome (PPS) (Saskia et al. 2014). Across a selection of literature, the c.660+1G>A variant was reported in a homozygous state in 24 patients and in a compound heterozygous state in 13 patients (Lesnik Oberstein et al. 2006; Reis et al. 2008; Dassie-Ajdid et al. 2009; Schoner et al. 2013; Weh et al. 2013). Parental testing was described in at least 15 sets of parent of affected patients, and the c.660+1G>A variant was identified in unaffected parents as expected based on their child's genotype. Hess et al.(2008) demonstrated that synthesis of the disaccharide Glc-Î²1,3-Fuc-O- is disrupted in patients with homozygous B3GALTL variants in contrast with their heterozygous relatives. The c.660+1G>A variant was not detected in 455 control chromosomes and is reported at a frequency of is 0.00104 in the non-Finnish European population of the Exome Aggregation Consortium. Based on the collective evidence and the potential impact of splice donor variants the c.660+1G>A variant is classified as pathogenic for Peters plus syndrome. This variant was observed by ICSL as part of a predisposition screen in an ostensibly healthy population.

Equipe Genetique des Anomalies du Developpement, Université de Bourgogne
Classification: Pathogenic for Peters plus syndrome. Last evaluated: 2016-04-12. Review status: criteria provided, single submitter. Criteria: ACMG Guidelines, 2015. Collection method: clinical testing. Allele origin: unknown. Affected: yes. Study: Clinvar_gadteam_Clinical_exome_analysis_3.

Eurofins Ntd Llc (ga)
Classification: Pathogenic. Last evaluated: 2014-12-10. Review status: criteria provided, single submitter. Criteria: EGL Classification Definitions. Collection method: clinical testing. Allele origin: germline. Observed: 5 variant alleles, 3 heterozygotes, 2 homozygotes.

Center for Pediatric Genomic Medicine, Children's Mercy Hospital and Clinics
Classification: Pathogenic. Last evaluated: 2014-11-14. Review status: criteria provided, single submitter. Criteria: ACMG Guidelines, 2015. Collection method: clinical testing. Allele origin: germline.

Clinical Genetics Service, Universitary Hospital 12 de Octubre
Classification: Pathogenic for Peters plus syndrome. Review status: criteria provided, single submitter. Criteria: ACMG Guidelines, 2015. Collection method: clinical testing. Allele origin: germline. Affected: yes.

Clinical Genetics Laboratory, University Hospital Schleswig-Holstein
Classification: Pathogenic for Peters plus syndrome. Last evaluated: 2022-03-01. Review status: no assertion criteria provided. Collection method: clinical testing. Allele origin: germline. Affected: yes. Not counted in ClinVar's aggregate classification.

OMIM
Classification: Pathogenic for PETERS-PLUS SYNDROME. Last evaluated: 2009-11-01. Review status: no assertion criteria provided. Collection method: literature only. Allele origin: germline. Not counted in ClinVar's aggregate classification.

Clinical Genetics DNA and cytogenetics Diagnostics Lab, Erasmus MC, Erasmus Medical Center
Classification: Pathogenic. Review status: no assertion criteria provided. Collection method: clinical testing. Allele origin: germline. Affected: yes. Study: VKGL Data-share Consensus. Not counted in ClinVar's aggregate classification.

Diagnostic Laboratory, Department of Genetics, University Medical Center Groningen
Classification: Pathogenic. Review status: no assertion criteria provided. Collection method: clinical testing. Allele origin: germline. Affected: yes. Study: VKGL Data-share Consensus. Not counted in ClinVar's aggregate classification.

Dr. Peter K. Rogan Lab, Western University
No classification provided (evidence only). Condition: Clear cell carcinoma of kidney. Review status: no classification provided. Collection method: in vitro. Allele origin: not applicable. Functional consequence: skipped exon. Not counted in ClinVar's aggregate classification.

Dr. Peter K. Rogan Lab, Western University
No classification provided (evidence only). Condition: Lung cancer. Review status: no classification provided. Collection method: in vitro. Allele origin: not applicable. Functional consequence: retained intron. Not counted in ClinVar's aggregate classification.

Dr. Peter K. Rogan Lab, Western University
No classification provided (evidence only). Condition: Lung cancer. Review status: no classification provided. Collection method: in vitro. Allele origin: not applicable. Functional consequence: skipped exon. Not counted in ClinVar's aggregate classification.

Dr. Peter K. Rogan Lab, Western University
No classification provided (evidence only). Condition: Familial cancer of breast. Review status: no classification provided. Collection method: in vitro. Allele origin: not applicable. Functional consequence: skipped exon. Not counted in ClinVar's aggregate classification.

Dr. Peter K. Rogan Lab, Western University
No classification provided (evidence only). Condition: Thyroid cancer, nonmedullary, 1. Review status: no classification provided. Collection method: in vitro. Allele origin: not applicable. Functional consequence: skipped exon. Not counted in ClinVar's aggregate classification.

GeneReviews
No classification provided. Condition: Peters plus syndrome. Review status: no classification provided. Collection method: literature only. Allele origin: unknown. Not counted in ClinVar's aggregate classification.

Genome Diagnostics Laboratory, University Medical Center Utrecht
Classification: Pathogenic. Review status: no assertion criteria provided. Collection method: clinical testing. Allele origin: germline. Affected: yes. Study: VKGL Data-share Consensus. Not counted in ClinVar's aggregate classification.

Laboratory of Diagnostic Genome Analysis, Leiden University Medical Center (LUMC)
Classification: Pathogenic. Review status: no assertion criteria provided. Collection method: clinical testing. Allele origin: germline. Affected: yes. Study: VKGL Data-share Consensus. Not counted in ClinVar's aggregate classification.

Literature cited by the submitters: PubMed 16909395 (cited by 10 submitters); PubMed 19610101 (cited by Dasa); PubMed 18199743 (cited by 6 submitters); PubMed 19796186 (cited by 4 submitters); PubMed 23161355 (cited by 4 submitters); PubMed 23213277 (cited by Dasa and Labcorp Genetics (formerly Invitae), Labcorp); PubMed 23889335 (cited by 3 submitters); PubMed 26684045 (cited by Dasa and Labcorp Genetics (formerly Invitae), Labcorp); PubMed 16199547 (cited by Labcorp Genetics (formerly Invitae), Labcorp); PubMed 18798333 (cited by 3 submitters); PubMed 32204707 (cited by Ambry Genetics and Women's Health and Genetics/Laboratory Corporation of America, LabCorp); PubMed 20301637 (cited by Illumina Laboratory Services, Illumina and GeneReviews); NCBI Bookshelf NBK1464 (cited by GeneReviews).